The following is an entry in ClinVar:

ClinVar aggregate classification (germline): Uncertain significance. Review status: criteria provided, multiple submitters, no conflicts (2 of 4 stars). 2 submissions from 2 submitters: Uncertain significance (2). Last evaluated 2024-02-17.

Conditions:
Primary ciliary dyskinesia. Also called: Ciliary dyskinesia. Identifiers: Orphanet 244, MedGen C0008780, MONDO:0016575, HP:0012265.

Allele frequency attached by ClinVar (database versions not stated): gnomAD exomes below 0.00001; TOPMed 0.00001.
gnomAD v4.1: 4 of 1,584,238 alleles (0.00025%); highest among the groups gnomAD compares: East Asian, 0.0023%; no homozygotes.

Submissions (2):

Ambry Genetics
Classification: Uncertain significance for Primary ciliary dyskinesia. Last evaluated: 2024-02-17. Review status: criteria provided, single submitter. Criteria: Ambry Variant Classification Scheme 2023. Collection method: clinical testing. Allele origin: germline.

Labcorp Genetics (formerly Invitae), Labcorp
Classification: Uncertain significance for Primary ciliary dyskinesia. Last evaluated: 2022-02-12. Review status: criteria provided, single submitter. Criteria: Invitae Variant Classification Sherloc (09022015). Collection method: clinical testing. Allele origin: germline.
Comment: This sequence change replaces alanine, which is neutral and non-polar, with valine, which is neutral and non-polar, at codon 444 of the DNAAF2 protein (p.Ala444Val). The frequency data for this variant in the population databases is considered unreliable, as metrics indicate poor data quality at this position in the gnomAD database. This variant has not been reported in the literature in individuals affected with DNAAF2-related conditions. Algorithms developed to predict the effect of missense changes on protein structure and function output the following: SIFT: "Tolerated"; PolyPhen-2: "Benign"; Align-GVGD: "Class C0". The valine amino acid residue is found in multiple mammalian species, which suggests that this missense change does not adversely affect protein function. In summary, the available evidence is currently insufficient to determine the role of this variant in disease. Therefore, it has been classified as a Variant of Uncertain Significance.

NM_018139.3(DNAAF2):c.1331C>T (p.Ala444Val)

Genes: DNAAF2 (dynein axonemal assembly factor 2; minus strand), LOC130055542 (ATAC-STARR-seq lymphoblastoid silent region 5699; plus strand). Cytogenetic location: 14q21.3.
Variant type: single nucleotide variant.
Coding change: c.1331C>T on transcript NM_018139.3 (MANE Select); coding-DNA position 1331, C replaced by T.
Protein change: p.Ala444Val; replaces alanine 444 with valine.
Molecular consequence: missense variant. On other transcripts: 5 prime UTR variant (1).
Genome position (GRCh38, 1-based): chr14:49,633,819, G>A on the plus strand (C>T on the coding strand, the complement: DNAAF2 is on the minus strand). VCF-style: chr14-49633819-G-A. GRCh37 (hg19) VCF-style: chr14-50100537-G-A.
Other names: c.1331C>T (NM_018139.2); c.1331C>T, p.Ala444Val (NM_001083908.2); c.-541C>T (NM_001378453.1); short protein forms A444V.
Identifiers: ClinVar variation 2046422 (VCV002046422.2), dbSNP rs1247086952, ClinGen allele CA389627961.